The following is an entry in ClinVar:

NM_001128225.3(SLC39A13):c.118C>T (p.Arg40Trp)

Gene: SLC39A13 (solute carrier family 39 member 13; plus strand). Cytogenetic location: 11p11.2.
Variant type: single nucleotide variant.
Coding change: c.118C>T on transcript NM_001128225.3 (MANE Select); coding-DNA position 118, C replaced by T.
Protein change: p.Arg40Trp; replaces arginine 40 with tryptophan.
Molecular consequence: missense variant. On other transcripts: non-coding transcript variant (1).
Genome position (GRCh38, 1-based): chr11:47,410,212, C>T. VCF-style: chr11-47410212-C-T. GRCh37 (hg19) VCF-style: chr11-47431763-C-T.
Other names: c.118C>T, p.Arg40Trp (NM_001330245.2, NM_152264.5); short protein forms R40W.
Identifiers: ClinVar variation 651607 (VCV000651607.9), dbSNP rs368796707, ClinGen allele CA5975669.
Genomic context (GRCh38, chr11:47,410,212, plus strand): 5'-ACTGCCCTTGCCCTGGAGCTCTTGGAAAGGGCTGGGGGTTCCCAGCCGGCCCTCCGGAGC[C>T]GGGGGACTGCGACGGCCTGTCGCCTGGACAACAAGGAAAGCGAGTCCTGGGGGGCTCTGC-3'
Protein context (NP_001121697.2, residues 30-50): AGGSQPALRS[Arg40Trp]GTATACRLDN

ClinVar aggregate classification (germline): Conflicting classifications of pathogenicity. Review status: criteria provided, conflicting classifications (1 of 4 stars). 3 submissions from 3 submitters: Uncertain significance (2); Likely benign (1). Last evaluated 2025-12-09.

Conditions:
Ehlers-Danlos syndrome, spondylodysplastic type, 3. Also called: Ehlers-Danlos syndrome, spondylocheirodysplastic type. Identifiers: Orphanet 157965, MedGen C2676510, MONDO:0012873, OMIM 612350.

Allele frequency attached by ClinVar (database versions not stated): gnomAD 0.00003 and 0.00004; TOPMed 0.00003; gnomAD exomes 0.00007; ESP Exome Variant Server 0.00008; ExAC 0.00009.
gnomAD v4.1: 112 of 1,613,956 alleles (0.0069%); highest among the groups gnomAD compares: Middle Eastern, 0.23%; 1 homozygote.

Submissions (3):

Women's Health and Genetics/Laboratory Corporation of America, LabCorp
Classification: Uncertain significance. Last evaluated: 2025-12-09. Review status: criteria provided, single submitter. Criteria: LabCorp Variant Classification Summary - May 2015. Collection method: clinical testing. Allele origin: germline.
Comment: Variant summary: SLC39A13 c.118C>T (p.Arg40Trp) results in a non-conservative amino acid change in the encoded protein sequence. Algorithms developed to predict the effect of missense changes on protein structure and function are either unavailable or do not agree on the potential impact of this missense change. The variant allele was found at a frequency of 6.8e-05 in 249826 control chromosomes. This frequency is not significantly higher than estimated for disease-causing variants in SLC39A13, allowing no conclusion about variant significance. To our knowledge, no occurrence of c.118C>T in individuals affected with SLC39A13-related conditions and no experimental evidence demonstrating its impact on protein function have been reported. ClinVar contains an entry for this variant (Variation ID: 651607). Based on the evidence outlined above, the variant was classified as uncertain significance.

Labcorp Genetics (formerly Invitae), Labcorp
Classification: Uncertain significance for Ehlers-Danlos syndrome, spondylodysplastic type, 3. Last evaluated: 2023-11-27. Review status: criteria provided, single submitter. Criteria: Invitae Variant Classification Sherloc (09022015). Collection method: clinical testing. Allele origin: germline.
Comment: This sequence change replaces arginine, which is basic and polar, with tryptophan, which is neutral and slightly polar, at codon 40 of the SLC39A13 protein (p.Arg40Trp). This variant is present in population databases (rs368796707, gnomAD 0.01%). This variant has not been reported in the literature in individuals affected with SLC39A13-related conditions. ClinVar contains an entry for this variant (Variation ID: 651607). Algorithms developed to predict the effect of missense changes on protein structure and function output the following: SIFT: "Not Available"; PolyPhen-2: "Benign"; Align-GVGD: "Not Available". The tryptophan amino acid residue is found in multiple mammalian species, which suggests that this missense change does not adversely affect protein function. In summary, the available evidence is currently insufficient to determine the role of this variant in disease. Therefore, it has been classified as a Variant of Uncertain Significance.

GeneDx
Classification: Likely benign. Last evaluated: 2018-05-10. Review status: criteria provided, single submitter. Criteria: GeneDx Variant Classification (06012015). Collection method: clinical testing. Allele origin: germline. Affected: yes.
Comment: This variant is considered likely benign or benign based on one or more of the following criteria: it is a conservative change, it occurs at a poorly conserved position in the protein, it is predicted to be benign by multiple in silico algorithms, and/or has population frequency not consistent with disease.